The following is an entry in ClinVar:

NM_015375.3(DSTYK):c.2285T>C (p.Val762Ala)

Gene: DSTYK (dual serine/threonine and tyrosine protein kinase; minus strand). Cytogenetic location: 1q32.1.
Variant type: single nucleotide variant.
Coding change: c.2285T>C on transcript NM_015375.3 (MANE Select); coding-DNA position 2285, T replaced by C.
Protein change: p.Val762Ala; replaces valine 762 with alanine.
Molecular consequence: missense variant.
Genome position (GRCh38, 1-based): chr1:205,157,340, A>G on the plus strand (T>C on the coding strand, the complement: DSTYK is on the minus strand). VCF-style: chr1-205157340-A-G. GRCh37 (hg19) VCF-style: chr1-205126468-A-G.
Other names: c.2285T>C, p.Val762Ala (NM_199462.3); short protein forms V762A.
Identifiers: ClinVar variation 3626924 (VCV003626924.2).
Genomic context (GRCh38, chr1:205,157,340, plus strand): 5'-TTTTTCAGTTTGATATCACGATGGACAAGTCCCTGGCTGTGCAGGAAGCGGATTCCCTCC[A>G]CCACATCTAGTGCTATCTGCAAACGTGTCTCCAGGGTCAGCCCAGCCTTGGGGAGACAAA-3'
Protein context (NP_056190.1, residues 752-772): ETRLQIALDV[Val762Ala]EGIRFLHSQG

ClinVar aggregate classification (germline): Uncertain significance (1 of 4 stars; one submission).

gnomAD v4.1: 2 of 1,614,008 alleles (0.00012%); highest among the groups gnomAD compares: African/African-American, 0.0027%; no homozygotes.

Submission:

Labcorp Genetics (formerly Invitae), Labcorp
Classification: Uncertain significance. Last evaluated: 2024-04-27. Review status: criteria provided, single submitter. Criteria: Invitae Variant Classification Sherloc (09022015). Collection method: clinical testing. Allele origin: germline.
Comment: This sequence change replaces valine, which is neutral and non-polar, with alanine, which is neutral and non-polar, at codon 762 of the DSTYK protein (p.Val762Ala). This variant is present in population databases (no rsID available, gnomAD 0.007%). This variant has not been reported in the literature in individuals affected with DSTYK-related conditions. An algorithm developed to predict the effect of missense changes on protein structure and function (PolyPhen-2) suggests that this variant is likely to be disruptive. In summary, the available evidence is currently insufficient to determine the role of this variant in disease. Therefore, it has been classified as a Variant of Uncertain Significance.